The following is an entry in ClinVar:

ClinVar aggregate classification (germline): Likely benign (1 of 4 stars; one submission).

Conditions:
Spinocerebellar ataxia 45. Identifiers: Orphanet 589527, MedGen C4540400, MONDO:0033480, OMIM 617769.

Submission:

Dr. med. U. Finckh, Human Genetics, Eurofins MVZ
Classification: Likely benign for Spinocerebellar ataxia 45. Review status: criteria provided, single submitter. Criteria: ACMG Guidelines, 2015. Collection method: clinical testing. Allele origin: paternal. Affected: no.

NM_001447.3(FAT2):c.7376G>A (p.Gly2459Glu)

Genes: FAT2 (FAT atypical cadherin 2; minus strand), SLC36A1 (solute carrier family 36 member 1; plus strand). Cytogenetic location: 5q33.1.
Variant type: single nucleotide variant.
Coding change: c.7376G>A on transcript NM_001447.3 (MANE Select); coding-DNA position 7376, G replaced by A.
Protein change: p.Gly2459Glu; replaces glycine 2459 with glutamic acid.
Molecular consequence: missense variant.
Genome position (GRCh38, 1-based): chr5:151,543,751, C>T on the plus strand (G>A on the coding strand, the complement: FAT2 is on the minus strand). VCF-style: chr5-151543751-C-T. GRCh37 (hg19) VCF-style: chr5-150923312-C-T.
Other names: short protein forms G2459E.
Identifiers: ClinVar variation 2505571 (VCV002505571.1), dbSNP rs1312050028, ClinGen allele CA361835582.